The following is an entry in ClinVar:

ClinVar aggregate classification (germline): Benign. Review status: criteria provided, multiple submitters, no conflicts (2 of 4 stars). 11 submissions from 10 submitters: Benign (11). Last evaluated 2026-02-02.

Conditions:
Familial cutaneous telangiectasia and oropharyngeal predisposition cancer syndrome. Identifiers: Orphanet 313846, MedGen C3281203, MONDO:0013806, OMIM 614564.
Seckel syndrome 1 (SCKL1). Also called: MICROCEPHALIC PRIMORDIAL DWARFISM I. Identifiers: Orphanet 808, MedGen C4551474, MONDO:0008869, OMIM 210600.

Allele frequency attached by ClinVar (database versions not stated): gnomAD 0.01739 and 0.01786; 1000 Genomes Project 30x 0.01702; TOPMed 0.01787; gnomAD exomes 0.01814 and 0.01970; 1000 Genomes Project 0.01837; ExAC 0.01888; ESP Exome Variant Server 0.02045.
gnomAD v4.1: 31,684 of 1,614,042 alleles (2%); highest among the groups gnomAD compares: South Asian, 4.1%; 399 homozygotes.

Submissions (11):

Labcorp Genetics (formerly Invitae), Labcorp
Classification: Benign. Last evaluated: 2026-02-02. Review status: criteria provided, single submitter. Criteria: Invitae Variant Classification Sherloc (09022015). Collection method: clinical testing. Allele origin: germline.

CeGaT Center for Human Genetics Tuebingen
Classification: Benign. Last evaluated: 2025-06-01. Review status: criteria provided, single submitter. Criteria: CeGaT Center For Human Genetics Tuebingen Variant Classification Criteria Version 2. Collection method: clinical testing. Allele origin: germline. Affected: yes. Observed: 1 variant allele.
Comment: ATR: BP4, BP7, BS1, BS2

ARUP Laboratories, Molecular Genetics and Genomics, ARUP Laboratories
Classification: Benign. Last evaluated: 2023-11-02. Review status: criteria provided, single submitter. Criteria: ARUP Molecular Germline Variant Investigation Process 2024. Collection method: clinical testing. Allele origin: germline.

KCCC/NGS Laboratory, Kuwait Cancer Control Center
Classification: Benign for Familial cutaneous telangiectasia and oropharyngeal predisposition cancer syndrome. Last evaluated: 2023-07-07. Review status: criteria provided, single submitter. Criteria: ACMG Guidelines, 2015. Collection method: clinical testing. Allele origin: germline. Affected: yes.

Genome-Nilou Lab
Classification: Benign for Seckel syndrome 1. Last evaluated: 2023-02-08. Review status: criteria provided, single submitter. Criteria: ACMG Guidelines, 2015. Collection method: clinical testing. Allele origin: germline.

Genome-Nilou Lab
Classification: Benign for Familial cutaneous telangiectasia and oropharyngeal predisposition cancer syndrome. Last evaluated: 2023-02-08. Review status: criteria provided, single submitter. Criteria: ACMG Guidelines, 2015. Collection method: clinical testing. Allele origin: germline.

Illumina Laboratory Services, Illumina
Classification: Benign for Seckel syndrome 1. Last evaluated: 2018-01-12. Review status: criteria provided, single submitter. Criteria: ICSL Variant Classification Criteria 13 December 2019. Collection method: clinical testing. Allele origin: germline.
Comment: This variant was observed in the ICSL laboratory as part of a predisposition screen in an ostensibly healthy population. It had not been previously curated by ICSL or reported in the Human Gene Mutation Database (HGMD: prior to June 1st, 2018), and was therefore a candidate for classification through an automated scoring system. Utilizing variant allele frequency, disease prevalence and penetrance estimates, and inheritance mode, an automated score was calculated to assess if this variant is too frequent to cause the disease. Based on the score and internal cut-off values, a variant classified as benign is not then subjected to further curation. The score for this variant resulted in a classification of benign for this disease.

Women's Health and Genetics/Laboratory Corporation of America, LabCorp
Classification: Benign. Last evaluated: 2016-04-27. Review status: criteria provided, single submitter. Criteria: LabCorp Variant Classification Summary - May 2015. Collection method: clinical testing. Allele origin: germline.
Comment: Variant summary: The ATR c.1950G>A variant affects a non-conserved nucleotide, resulting in no amino acid change. Mutation Taster predicts the variant is a polymorphism, and 3/5 Alamut algorithms predict no significant change in splicing. Additionally, the variant has been reported as a polymorphism in the literature (PMID: 26695994). This variant was found in 2283/120952 control chromosomes (48 homozygotes) at a frequency of 0.0188753, which is about 30200 times the maximal expected frequency of a pathogenic ATR allele (0.0000006), suggesting this variant is benign. Furthermore, one clinical laboratory classified this variant as benign. Taken together, this variant was classified as benign.

GeneDx
Classification: Benign. Last evaluated: 2015-03-03. Review status: criteria provided, single submitter. Criteria: GeneDx Variant Classification Process June 2021. Collection method: clinical testing. Allele origin: germline. Affected: yes.

Genetic Services Laboratory, University of Chicago
Classification: Benign. Last evaluated: 2013-07-02. Review status: criteria provided, single submitter. Criteria: ACMG Guidelines, 2007. Collection method: clinical testing. Allele origin: germline. Inheritance: Autosomal recessive inheritance.

Breakthrough Genomics
Classification: Benign. Review status: criteria provided, single submitter. Criteria: ACMG Guidelines, 2015. Collection method: not provided. Allele origin: germline. Inheritance: Autosomal recessive inheritance. Affected: yes.

NM_001184.4(ATR):c.1950G>A (p.Glu650=)

Gene: ATR (ATR checkpoint kinase; minus strand). Cytogenetic location: 3q23.
Variant type: single nucleotide variant.
Coding change: c.1950G>A on transcript NM_001184.4 (MANE Select); coding-DNA position 1950, G replaced by A.
Protein change: p.Glu650=; no amino-acid change (glutamic acid 650 retained).
Molecular consequence: synonymous variant.
Genome position (GRCh38, 1-based): chr3:142,556,511, C>T on the plus strand (G>A on the coding strand, the complement: ATR is on the minus strand). VCF-style: chr3-142556511-C-T. GRCh37 (hg19) VCF-style: chr3-142275353-C-T.
Other names: c.1758G>A, p.Glu586= (NM_001354579.2).
Identifiers: ClinVar variation 157968 (VCV000157968.40), dbSNP rs28910270, ClinGen allele CA171345.